The following is an entry in ClinVar:

ClinVar aggregate classification (germline): Likely benign (1 of 4 stars; one submission).

gnomAD v4.1: 66 of 1,613,788 alleles (0.0041%); highest among the groups gnomAD compares: Non-Finnish European, 0.0053%; no homozygotes.

Submission:

Women's Health and Genetics/Laboratory Corporation of America, LabCorp
Classification: Likely benign. Last evaluated: 2024-07-12. Review status: criteria provided, single submitter. Criteria: LabCorp Variant Classification Summary - May 2015. Collection method: clinical testing. Allele origin: germline.
Comment: Variant summary: KIF21A c.4660G>A (p.Asp1554Asn) results in a conservative amino acid change located in the WD40 repeat region (IPR001680) of the encoded protein sequence. Three of five in-silico tools predict a damaging effect of the variant on protein function. The variant allele was found at a frequency of 4.1e-05 in 1606796 control chromosomes (i.e. in 66 carriers) in the gnomAD database (v4.1 dataset). The occurrences in several carriers suggest that this variant is likely not associated with a high penetrance, severe, early onset disease phenotype in heterozygous state. To our knowledge, no occurrence of c.4660G>A in individuals affected with KIF21A-Related Disorders and no experimental evidence demonstrating its impact on protein function have been reported. No submitters have cited clinical-significance assessments for this variant to ClinVar. Based on the evidence outlined above, the variant was classified as likely benign.

NM_001173464.2(KIF21A):c.4660G>A (p.Asp1554Asn)

Gene: KIF21A (kinesin family member 21A; minus strand). Cytogenetic location: 12q12.
Variant type: single nucleotide variant.
Coding change: c.4660G>A on transcript NM_001173464.2 (MANE Select); coding-DNA position 4660, G replaced by A.
Protein change: p.Asp1554Asn; replaces aspartic acid 1554 with asparagine.
Molecular consequence: missense variant.
Genome position (GRCh38, 1-based): chr12:39,303,036, C>T on the plus strand (G>A on the coding strand, the complement: KIF21A is on the minus strand). VCF-style: chr12-39303036-C-T. GRCh37 (hg19) VCF-style: chr12-39696838-C-T.
Other names: c.4549G>A, p.Asp1517Asn (NM_001173463.2); c.4501G>A, p.Asp1501Asn (NM_001173465.2); c.4663G>A, p.Asp1555Asn (NM_001378439.1); c.4648G>A, p.Asp1550Asn (NM_001378440.1); c.4624G>A, p.Asp1542Asn (NM_001378441.1); c.4621G>A, p.Asp1541Asn (NM_017641.4); short protein forms D1501N, D1517N, D1541N, D1542N, D1550N, D1554N, D1555N.
Identifiers: ClinVar variation 3338906 (VCV003338906.1).